The following is an entry in ClinVar:

NM_016604.4(KDM3B):c.5266T>G (p.Ser1756Ala)

Gene: KDM3B (lysine demethylase 3B; plus strand). Cytogenetic location: 5q31.2.
Variant type: single nucleotide variant.
Coding change: c.5266T>G on transcript NM_016604.4 (MANE Select); coding-DNA position 5266, T replaced by G.
Protein change: p.Ser1756Ala; replaces serine 1756 with alanine.
Molecular consequence: missense variant.
Genome position (GRCh38, 1-based): chr5:138,435,680, T>G. VCF-style: chr5-138435680-T-G. GRCh37 (hg19) VCF-style: chr5-137771369-T-G.
Other names: short protein forms S1756A.
Identifiers: ClinVar variation 4622781 (VCV004622781.2).

ClinVar aggregate classification (germline): Uncertain significance. Review status: criteria provided, multiple submitters, no conflicts (2 of 4 stars). 2 submissions from 2 submitters: Uncertain significance (2). Last evaluated 2026-08-01.

Conditions:
Inborn genetic diseases. Identifiers: MedGen C0950123, MeSH D030342.

Submissions (2):

CeGaT Center for Human Genetics Tuebingen
Classification: Uncertain significance. Last evaluated: 2026-08-01. Review status: criteria provided, single submitter. Criteria: CeGaT Center For Human Genetics Tuebingen Variant Classification Criteria Version 2. Collection method: clinical testing. Allele origin: germline. Affected: yes. Observed: 1 variant allele.
Comment: KDM3B: PM2, PP2

Ambry Genetics
Classification: Uncertain significance for Inborn genetic diseases. Last evaluated: 2025-12-09. Review status: criteria provided, single submitter. Criteria: Ambry Variant Classification Scheme 2023. Collection method: clinical testing. Allele origin: germline.